The following is an entry in ClinVar:

NM_001684.5(ATP2B4):c.2107G>T (p.Ala703Ser)

Gene: ATP2B4 (ATPase plasma membrane Ca2+ transporting 4; plus strand). Cytogenetic location: 1q32.1.
Variant type: single nucleotide variant.
Coding change: c.2107G>T on transcript NM_001684.5 (MANE Select); coding-DNA position 2107, G replaced by T.
Protein change: p.Ala703Ser; replaces alanine 703 with serine.
Molecular consequence: missense variant.
Genome position (GRCh38, 1-based): chr1:203,712,035, G>T. VCF-style: chr1-203712035-G-T. GRCh37 (hg19) VCF-style: chr1-203681163-G-T.
Other names: c.2107G>T, p.Ala703Ser (NM_001001396.3, NM_001365783.2, NM_001365784.2); short protein forms A703S.
Identifiers: ClinVar variation 4743990 (VCV004743990.1).
Genomic context (GRCh38, chr1:203,712,035, plus strand): 5'-GCCAAATGCAAACAAGCTGGCATTACTGTCAGAATGGTGACAGGTGACAACATCAACACA[G>T]CCCGGGCCATTGCCACCAAATGTGGCATTCTGACACCTGGGGATGACTTCCTGTGCTTAG-3'
Protein context (NP_001675.3, residues 693-713): RMVTGDNINT[Ala703Ser]RAIATKCGIL

ClinVar aggregate classification (germline): Uncertain significance (1 of 4 stars; one submission).

Submission:

Labcorp Genetics (formerly Invitae), Labcorp
Classification: Uncertain significance. Last evaluated: 2025-12-08. Review status: criteria provided, single submitter. Criteria: Invitae Variant Classification Sherloc (09022015). Collection method: clinical testing. Allele origin: germline.
Comment: This sequence change replaces alanine, which is neutral and non-polar, with serine, which is neutral and polar, at codon 703 of the ATP2B4 protein (p.Ala703Ser). This variant is not present in population databases (gnomAD no frequency). This variant has not been reported in the literature in individuals affected with ATP2B4-related conditions. Invitae Evidence Modeling of protein sequence and biophysical properties (such as structural, functional, and spatial information, amino acid conservation, physicochemical variation, residue mobility, and thermodynamic stability) indicates that this missense variant is expected to disrupt ATP2B4 protein function with a positive predictive value of 80%. In summary, the available evidence is currently insufficient to determine the role of this variant in disease. Therefore, it has been classified as a Variant of Uncertain Significance.